The following is an entry in ClinVar:

NM_152443.3(RDH12):c.634C>G (p.Arg212Gly)

Genes: GPHN (gephyrin; plus strand), RDH12 (retinol dehydrogenase 12; plus strand). Cytogenetic location: 14q24.1.
Variant type: single nucleotide variant.
Coding change: c.634C>G on transcript NM_152443.3 (MANE Select); coding-DNA position 634, C replaced by G.
Protein change: p.Arg212Gly; replaces arginine 212 with glycine.
Molecular consequence: missense variant.
Genome position (GRCh38, 1-based): chr14:67,727,166, C>G. VCF-style: chr14-67727166-C-G. GRCh37 (hg19) VCF-style: chr14-68193883-C-G.
Other names: short protein forms R212G.
Identifiers: ClinVar variation 1013847 (VCV001013847.9), dbSNP rs146653515, ClinGen allele CA390151585.

ClinVar aggregate classification (germline): Uncertain significance. Review status: criteria provided, single submitter (1 of 4 stars). 2 submissions from 2 submitters: Uncertain significance (1). 1 of the submissions does not count toward it. Last evaluated 2025-02-16.

Conditions:
Leber congenital amaurosis 13 (LCA13). Identifiers: MedGen C2675186, MONDO:0012990, OMIM 612712.
Leber congenital amaurosis (LCA). Also called: Leber's amaurosis. Identifiers: Orphanet 65, MedGen C0339527, MeSH D057130, MONDO:0018998.

gnomAD v4.1: 4 of 1,613,562 alleles (0.00025%); highest among the groups gnomAD compares: African/African-American, 0.0013%; no homozygotes.

Submissions (2):

Labcorp Genetics (formerly Invitae), Labcorp
Classification: Uncertain significance for Leber congenital amaurosis 13. Last evaluated: 2025-02-16. Review status: criteria provided, single submitter. Criteria: Invitae Variant Classification Sherloc (09022015). Collection method: clinical testing. Allele origin: germline.
Comment: This sequence change replaces arginine, which is basic and polar, with glycine, which is neutral and non-polar, at codon 212 of the RDH12 protein (p.Arg212Gly). This variant is not present in population databases (gnomAD no frequency). This variant has not been reported in the literature in individuals affected with RDH12-related conditions. ClinVar contains an entry for this variant (Variation ID: 1013847). Invitae Evidence Modeling of protein sequence and biophysical properties (such as structural, functional, and spatial information, amino acid conservation, physicochemical variation, residue mobility, and thermodynamic stability) has been performed for this missense variant. However, the output from this modeling did not meet the statistical confidence thresholds required to predict the impact of this variant on RDH12 protein function. In summary, the available evidence is currently insufficient to determine the role of this variant in disease. Therefore, it has been classified as a Variant of Uncertain Significance.

Natera, Inc.
Classification: Uncertain significance for Leber congenital amaurosis. Last evaluated: 2020-07-08. Review status: no assertion criteria provided. Collection method: clinical testing. Allele origin: germline. Not counted in ClinVar's aggregate classification.